The following is an entry in ClinVar:

NM_138694.4(PKHD1):c.11665+1G>C

Gene: PKHD1 (PKHD1 ciliary IPT domain containing fibrocystin/polyductin; minus strand). Cytogenetic location: 6p12.3.
Variant type: single nucleotide variant.
Coding change: c.11665+1G>C on transcript NM_138694.4 (MANE Select); the canonical splice donor site of the intron after coding-DNA position 11665, G replaced by C.
Molecular consequence: splice donor variant.
Genome position (GRCh38, 1-based): chr6:51,632,564, C>G on the plus strand (G>C on the coding strand, the complement: PKHD1 is on the minus strand). VCF-style: chr6-51632564-C-G. GRCh37 (hg19) VCF-style: chr6-51497362-C-G.
Identifiers: ClinVar variation 4816555 (VCV004816555.1).

ClinVar aggregate classification (germline): Likely pathogenic (1 of 4 stars; one submission).

Conditions:
Autosomal recessive polycystic kidney disease (ARPKD). Also called: AR polycystic kidney disease. Identifiers: Orphanet 731, Orphanet 8378, MedGen C0085548, MeSH D017044, MONDO:0009889.

Submission:

Natera, Inc.
Classification: Likely pathogenic for Autosomal recessive polycystic kidney disease. Last evaluated: 2024-07-08. Review status: criteria provided, single submitter. Criteria: Natera Variant Classification Schema (03/2026). Collection method: clinical testing. Allele origin: germline.
Comment: The c.11665+1G>C variant in PKHD1 is a canonical splice donor site variant predicted to affect pre-mRNA splicing, which may result in an abnormal transcript and altered protein product. This variant is expected to result in nonsense mediated decay, truncation, or a dysfunctional protein product. This variant is rare in the general population with a frequency below the threshold expected for the associated phenotype(s). Given the available evidence, this variant is classified as Likely Pathogenic.